The following is an entry in ClinVar:

NM_006031.6(PCNT):c.8515_8518delinsTAC (p.Val2839fs)

Gene: PCNT (pericentrin; plus strand). Cytogenetic location: 21q22.3.
Variant type: Indel.
Coding change: c.8515_8518delinsTAC on transcript NM_006031.6 (MANE Select); coding-DNA positions 8515 to 8518, GTAA replaced by TAC.
Protein change: p.Val2839fs; shifts the reading frame from valine 2839.
Molecular consequence: frameshift variant. On other transcripts: splice donor variant (1).
Genome position (GRCh38, 1-based): chr21:46,431,979-46,431,982, GTAA replaced by TAC. VCF-style: chr21-46431979-GTAA-TAC. GRCh37 (hg19) VCF-style: chr21-47851893-GTAA-TAC.
Other names: c.8160+1_8160+4delinsTAC (NM_001315529.2); short protein forms V2839fs.
Identifiers: ClinVar variation 4995575 (VCV004995575.1).

ClinVar aggregate classification (germline): Likely pathogenic (1 of 4 stars; one submission).

Conditions:
PCNT-related disorder. Also called: PCNT-related condition.

Submission:

PreventionGenetics, part of Exact Sciences
Classification: Likely pathogenic for PCNT-related condition. Last evaluated: 2026-02-23. Review status: criteria provided, single submitter. Criteria: ACMG Guidelines, 2015. Collection method: clinical testing. Allele origin: germline.
Comment: The PCNT c.8515_8518delinsTAC variant is predicted to result in a frameshift and premature protein termination (p.Val2839Tyrfs*5). To our knowledge, this variant has not been reported in the literature or in a large population database (gnomAD), indicating this variant is rare. Frameshift variants in PCNT are expected to be pathogenic. This variant is interpreted as likely pathogenic.